The following is an entry in ClinVar:

NM_020937.4(FANCM):c.4733A>G (p.Tyr1578Cys)

Gene: FANCM (FA complementation group M; plus strand). Cytogenetic location: 14q21.2.
Variant type: single nucleotide variant.
Coding change: c.4733A>G on transcript NM_020937.4 (MANE Select); coding-DNA position 4733, A replaced by G.
Protein change: p.Tyr1578Cys; replaces tyrosine 1578 with cysteine.
Molecular consequence: missense variant.
Genome position (GRCh38, 1-based): chr14:45,187,841, A>G. VCF-style: chr14-45187841-A-G. GRCh37 (hg19) VCF-style: chr14-45657044-A-G.
Other names: c.4655A>G, p.Tyr1552Cys (NM_001308133.2); short protein forms Y1552C, Y1578C.
Identifiers: ClinVar variation 5021530 (VCV005021530.1).

ClinVar aggregate classification (germline): Uncertain significance (1 of 4 stars; one submission).

Conditions:
Inborn genetic diseases. Identifiers: MedGen C0950123, MeSH D030342.

Submission:

Ambry Genetics
Classification: Uncertain significance for Inborn genetic diseases. Last evaluated: 2026-08-31. Review status: criteria provided, single submitter. Criteria: Ambry Variant Classification Scheme 2023. Collection method: clinical testing. Allele origin: germline.
Comment: The p.Y1578C variant (also known as c.4733A>G), located in coding exon 19 of the FANCM gene, results from an A to G substitution at nucleotide position 4733. The tyrosine at codon 1578 is replaced by cysteine, an amino acid with highly dissimilar properties. This amino acid position is conserved. In addition, the in silico prediction for this alteration is inconclusive. Based on the available evidence, the clinical significance of this variant remains unclear.